The following is an entry in ClinVar:

NM_006846.4(SPINK5):c.1278A>C (p.Gln426His)

Gene: SPINK5 (serine peptidase inhibitor Kazal type 5; plus strand). Cytogenetic location: 5q32.
Variant type: single nucleotide variant.
Coding change: c.1278A>C on transcript NM_006846.4 (MANE Select); coding-DNA position 1278, A replaced by C.
Protein change: p.Gln426His; replaces glutamine 426 with histidine.
Molecular consequence: missense variant.
Genome position (GRCh38, 1-based): chr5:148,101,412, A>C. VCF-style: chr5-148101412-A-C. GRCh37 (hg19) VCF-style: chr5-147480975-A-C.
Other names: c.1278A>C, p.Gln426His (NM_001127698.2, NM_001127699.2); short protein forms Q426H.
Identifiers: ClinVar variation 1468797 (VCV001468797.4), dbSNP rs747446927, ClinGen allele CA3495532.

ClinVar aggregate classification (germline): Uncertain significance (1 of 4 stars; one submission).

Conditions:
Ichthyosis linearis circumflexa. Identifiers: MedGen C0265962, MONDO:0043106, HP:0025810.

Allele frequency attached by ClinVar (database versions not stated): gnomAD 0.00001; TOPMed 0.00001.
gnomAD v4.1: 8 of 1,611,368 alleles (0.0005%); highest among the groups gnomAD compares: Non-Finnish European, 0.00068%; no homozygotes.

Submission:

Labcorp Genetics (formerly Invitae), Labcorp
Classification: Uncertain significance for Ichthyosis linearis circumflexa. Last evaluated: 2024-11-22. Review status: criteria provided, single submitter. Criteria: Invitae Variant Classification Sherloc (09022015). Collection method: clinical testing. Allele origin: germline.
Comment: This sequence change replaces glutamine, which is neutral and polar, with histidine, which is basic and polar, at codon 426 of the SPINK5 protein (p.Gln426His). This variant is present in population databases (rs747446927, gnomAD 0.002%). This variant has not been reported in the literature in individuals affected with SPINK5-related conditions. ClinVar contains an entry for this variant (Variation ID: 1468797). Invitae Evidence Modeling of protein sequence and biophysical properties (such as structural, functional, and spatial information, amino acid conservation, physicochemical variation, residue mobility, and thermodynamic stability) indicates that this missense variant is not expected to disrupt SPINK5 protein function with a negative predictive value of 80%. In summary, the available evidence is currently insufficient to determine the role of this variant in disease. Therefore, it has been classified as a Variant of Uncertain Significance.